The following is an entry in ClinVar:

NM_000264.5(PTCH1):c.3338G>T (p.Arg1113Leu)

Gene: PTCH1 (patched 1; minus strand). Cytogenetic location: 9q22.32.
Variant type: single nucleotide variant.
Coding change: c.3338G>T on transcript NM_000264.5 (MANE Select); coding-DNA position 3338, G replaced by T.
Protein change: p.Arg1113Leu; replaces arginine 1113 with leucine.
Molecular consequence: missense variant. On other transcripts: non-coding transcript variant (1).
Genome position (GRCh38, 1-based): chr9:95,453,589, C>A on the plus strand (G>T on the coding strand, the complement: PTCH1 is on the minus strand). VCF-style: chr9-95453589-C-A. GRCh37 (hg19) VCF-style: chr9-98215871-C-A.
Other names: c.2885G>T, p.Arg962Leu (NM_001083606.3, NM_001083607.3, NM_001083604.3 and 1 more transcripts); c.3182G>T, p.Arg1061Leu (NM_001354918.2); c.3140G>T, p.Arg1047Leu (NM_001083602.3); c.3335G>T, p.Arg1112Leu (NM_001083603.3); short protein forms R1112L, R1113L, R962L, R1047L, R1061L.
Identifiers: ClinVar variation 2736379 (VCV002736379.4), dbSNP rs143781513, ClinGen allele CA374111869.

ClinVar aggregate classification (germline): Uncertain significance. Review status: criteria provided, multiple submitters, no conflicts (2 of 4 stars). 2 submissions from 2 submitters: Uncertain significance (2). Last evaluated 2025-08-08.

Conditions:
Hereditary cancer-predisposing syndrome. Also called: Hereditary neoplastic syndrome; Hereditary Cancer Syndrome; Neoplastic Syndromes, Hereditary; Tumor predisposition. Identifiers: Orphanet 140162, MedGen C0027672, MeSH D009386, MONDO:0015356.
Gorlin syndrome. Also called: Basal cell nevus syndrome; Nevoid Basal Cell Carcinoma Syndrome. Identifiers: Orphanet 377, MedGen C0004779, MONDO:0007187.

gnomAD v4.1: 1 of 1,613,926 alleles (0.000062%); highest among the groups gnomAD compares: Middle Eastern, 0.016%; no homozygotes.

Submissions (2):

Ambry Genetics
Classification: Uncertain significance for Hereditary cancer-predisposing syndrome. Last evaluated: 2025-08-08. Review status: criteria provided, single submitter. Criteria: Ambry Variant Classification Scheme 2023. Collection method: clinical testing. Allele origin: germline.
Comment: The p.R1113L variant (also known as c.3338G>T), located in coding exon 20 of the PTCH1 gene, results from a G to T substitution at nucleotide position 3338. The arginine at codon 1113 is replaced by leucine, an amino acid with dissimilar properties. This amino acid position is conserved. In addition, the in silico prediction for this alteration is inconclusive. Based on the available evidence, the clinical significance of this variant remains unclear.

Labcorp Genetics (formerly Invitae), Labcorp
Classification: Uncertain significance for Gorlin syndrome. Last evaluated: 2024-02-25. Review status: criteria provided, single submitter. Criteria: Invitae Variant Classification Sherloc (09022015). Collection method: clinical testing. Allele origin: germline.
Comment: This sequence change replaces arginine, which is basic and polar, with leucine, which is neutral and non-polar, at codon 1113 of the PTCH1 protein (p.Arg1113Leu). This variant is not present in population databases (gnomAD no frequency). This variant has not been reported in the literature in individuals affected with PTCH1-related conditions. Advanced modeling of protein sequence and biophysical properties (such as structural, functional, and spatial information, amino acid conservation, physicochemical variation, residue mobility, and thermodynamic stability) performed at Invitae indicates that this missense variant is not expected to disrupt PTCH1 protein function with a negative predictive value of 95%. In summary, the available evidence is currently insufficient to determine the role of this variant in disease. Therefore, it has been classified as a Variant of Uncertain Significance.